The following is an entry in ClinVar:

ClinVar aggregate classification (germline): Likely benign. Review status: criteria provided, single submitter (1 of 4 stars). 2 submissions from 2 submitters: Likely benign (1). 1 of the submissions does not count toward it. Last evaluated 2023-11-17.

Conditions:
Intellectual disability, CASK-related, X-linked. Identifiers: MedGen CN043158.
CASK-related disorder. Also called: CASK-related disorders; CASK-related condition.

Allele frequency attached by ClinVar (database versions not stated): gnomAD exomes below 0.00001.
gnomAD v4.1: 1 of 1,135,193 alleles (0.000088%); highest among the groups gnomAD compares: South Asian, 0.0018%; no homozygotes.

Submissions (2):

Labcorp Genetics (formerly Invitae), Labcorp
Classification: Likely benign for Intellectual disability, CASK-related, X-linked. Last evaluated: 2023-11-17. Review status: criteria provided, single submitter. Criteria: Invitae Variant Classification Sherloc (09022015). Collection method: clinical testing. Allele origin: germline.

PreventionGenetics, part of Exact Sciences
Classification: Likely benign for CASK-related condition. Last evaluated: 2022-04-01. Review status: no assertion criteria provided. Collection method: clinical testing. Allele origin: germline. Not counted in ClinVar's aggregate classification.
Comment: This variant is classified as likely benign based on ACMG/AMP sequence variant interpretation guidelines (Richards et al. 2015 PMID: 25741868, with internal and published modifications).

NM_001367721.1(CASK):c.832-4A>G

Gene: CASK (calcium/calmodulin dependent serine protein kinase; minus strand). Cytogenetic location: Xp11.4.
Variant type: single nucleotide variant.
Coding change: c.832-4A>G on transcript NM_001367721.1 (MANE Select); 4 bases into the intron before coding-DNA position 832, A replaced by G.
Molecular consequence: intron variant.
Genome position (GRCh38, 1-based): chrX:41,636,665, T>C on the plus strand (A>G on the coding strand, the complement: CASK is on the minus strand). VCF-style: chrX-41636665-T-C. GRCh37 (hg19) VCF-style: chrX-41495918-T-C.
Other names: c.832-4A>G (NM_003688.3, NM_001126055.3, NM_001410745.1 and 2 more transcripts).
Identifiers: ClinVar variation 2871226 (VCV002871226.5), dbSNP rs2519079913, ClinGen allele CA2504033893.